The following is an entry in ClinVar:

NM_001101426.4(CRPPA):c.1009A>C (p.Asn337His)

Genes: CRPPA-AS1 (CRPPA antisense RNA 1; plus strand), CRPPA (CDP-L-ribitol pyrophosphorylase A; minus strand). Cytogenetic location: 7p21.2.
Variant type: single nucleotide variant.
Coding change: c.1009A>C on transcript NM_001101426.4 (MANE Select); coding-DNA position 1009, A replaced by C.
Protein change: p.Asn337His; replaces asparagine 337 with histidine.
Molecular consequence: missense variant. On other transcripts: non-coding transcript variant (1).
Genome position (GRCh38, 1-based): chr7:16,258,937, T>G on the plus strand (A>C on the coding strand, the complement: CRPPA is on the minus strand). VCF-style: chr7-16258937-T-G. GRCh37 (hg19) VCF-style: chr7-16298562-T-G.
Other names: c.859A>C, p.Asn287His (NM_001101417.4); c.904A>C, p.Asn302His (NM_001368197.1); short protein forms N287H, N302H, N337H.
Identifiers: ClinVar variation 3758343 (VCV003758343.2).

ClinVar aggregate classification (germline): Uncertain significance (1 of 4 stars; one submission).

Conditions:
Muscular dystrophy-dystroglycanopathy (congenital with brain and eye anomalies), type A, 7. Also called: WALKER-WARBURG SYNDROME OR MUSCLE-EYE-BRAIN DISEASE, ISPD-RELATED; Congenital muscular dystrophy-dystroglycanopathy with brain and eye anomalies, type A7. Identifiers: Orphanet 899, MedGen C3553330, MONDO:0013835, OMIM 614643.
Autosomal recessive limb-girdle muscular dystrophy type 2U. Also called: Muscular dystrophy-dystroglycanopathy (limb-girdle), type c, 7; MUSCULAR DYSTROPHY, LIMB-GIRDLE, TYPE 2U. Identifiers: Orphanet 352479, MedGen C5190987, MONDO:0014474, OMIM 616052.

Submission:

Labcorp Genetics (formerly Invitae), Labcorp
Classification: Uncertain significance for Muscular dystrophy-dystroglycanopathy (congenital with brain and eye anomalies), type A, 7; Autosomal recessive limb-girdle muscular dystrophy type 2U. Last evaluated: 2024-09-20. Review status: criteria provided, single submitter. Criteria: Invitae Variant Classification Sherloc (09022015). Collection method: clinical testing. Allele origin: germline.
Comment: This sequence change replaces asparagine, which is neutral and polar, with histidine, which is basic and polar, at codon 337 of the ISPD protein (p.Asn337His). This variant is not present in population databases (gnomAD no frequency). This variant has not been reported in the literature in individuals affected with ISPD-related conditions. Invitae Evidence Modeling of protein sequence and biophysical properties (such as structural, functional, and spatial information, amino acid conservation, physicochemical variation, residue mobility, and thermodynamic stability) indicates that this missense variant is not expected to disrupt ISPD protein function with a negative predictive value of 80%. In summary, the available evidence is currently insufficient to determine the role of this variant in disease. Therefore, it has been classified as a Variant of Uncertain Significance.